The following is an entry in ClinVar:

NM_030665.4(RAI1):c.3172C>T (p.Arg1058Cys)

Gene: RAI1 (retinoic acid induced 1; plus strand). Cytogenetic location: 17p11.2.
Variant type: single nucleotide variant.
Coding change: c.3172C>T on transcript NM_030665.4 (MANE Select); coding-DNA position 3172, C replaced by T.
Protein change: p.Arg1058Cys; replaces arginine 1058 with cysteine.
Molecular consequence: missense variant.
Genome position (GRCh38, 1-based): chr17:17,796,120, C>T. VCF-style: chr17-17796120-C-T. GRCh37 (hg19) VCF-style: chr17-17699434-C-T.
Other names: short protein forms R1058C.
Identifiers: ClinVar variation 2856375 (VCV002856375.3), dbSNP rs2508585653, ClinGen allele CA398553054.
Genomic context (GRCh38, chr17:17,796,120, plus strand): 5'-ATGGAAGGGGCTGGAGCCCCAGGCCGGGGGGCCTCGGAAGGGCTCCCCAGGATGTGTACT[C>T]GTTCTCTCACGGCCCTGAGTGAGCCCCGCACGCCCGGACCCCCAGGCCTGACCACCACCC-3'
Protein context (NP_109590.3, residues 1048-1068): ASEGLPRMCT[Arg1058Cys]SLTALSEPRT

ClinVar aggregate classification (germline): Uncertain significance (1 of 4 stars; one submission).

gnomAD v4.1: 2 of 1,583,542 alleles (0.00013%); highest among the groups gnomAD compares: Non-Finnish European, 0.00017%; no homozygotes.

Submission:

Labcorp Genetics (formerly Invitae), Labcorp
Classification: Uncertain significance. Last evaluated: 2023-04-15. Review status: criteria provided, single submitter. Criteria: Invitae Variant Classification Sherloc (09022015). Collection method: clinical testing. Allele origin: germline.
Comment: In summary, the available evidence is currently insufficient to determine the role of this variant in disease. Therefore, it has been classified as a Variant of Uncertain Significance. Advanced modeling of protein sequence and biophysical properties (such as structural, functional, and spatial information, amino acid conservation, physicochemical variation, residue mobility, and thermodynamic stability) performed at Invitae indicates that this missense variant is expected to disrupt RAI1 protein function. This variant has not been reported in the literature in individuals affected with RAI1-related conditions. This variant is not present in population databases (gnomAD no frequency). This sequence change replaces arginine, which is basic and polar, with cysteine, which is neutral and slightly polar, at codon 1058 of the RAI1 protein (p.Arg1058Cys).